The following is an entry in ClinVar:

ClinVar aggregate classification (germline): Uncertain significance. Review status: criteria provided, multiple submitters, no conflicts (2 of 4 stars). 2 submissions from 2 submitters: Uncertain significance (2). Last evaluated 2024-04-04.

Conditions:
Glycogen storage disease, type VI (GSD6). Also called: Glycogen storage disease type 6; Hepatic glycogen phosphorylase deficiency; Glycogen storage disease type 6, due to phosphorylation; GSD VI; HERS DISEASE; PHOSPHORYLASE DEFICIENCY GLYCOGEN-STORAGE DISEASE OF LIVER. Identifiers: Orphanet 369, MedGen C0017925, MONDO:0009294, OMIM 232700.

Allele frequency attached by ClinVar (database versions not stated): gnomAD exomes below 0.00001; ExAC 0.00001; TOPMed 0.00002; gnomAD 0.00003; ESP Exome Variant Server 0.00008.
gnomAD v4.1: 6 of 1,614,110 alleles (0.00037%); highest among the groups gnomAD compares: African/African-American, 0.008%; no homozygotes.

Submissions (2):

Genomic Medicine Center of Excellence, King Faisal Specialist Hospital and Research Centre
Classification: Uncertain significance for Glycogen storage disease, type VI. Last evaluated: 2024-04-04. Review status: criteria provided, single submitter. Criteria: ACMG Guidelines, 2015. Collection method: clinical testing. Allele origin: germline.

Baylor Genetics
Classification: Uncertain significance for Glycogen storage disease, type VI. Last evaluated: 2020-01-23. Review status: criteria provided, single submitter. Criteria: ACMG Guidelines, 2015. Collection method: clinical testing. Allele origin: unknown. Affected: yes.
Comment: This variant was determined to be of uncertain significance according to ACMG Guidelines, 2015 [PMID:25741868].

NM_002863.5(PYGL):c.2083G>A (p.Gly695Arg)

Gene: PYGL (glycogen phosphorylase L; minus strand). Cytogenetic location: 14q22.1.
Variant type: single nucleotide variant.
Coding change: c.2083G>A on transcript NM_002863.5 (MANE Select); coding-DNA position 2083, G replaced by A.
Protein change: p.Gly695Arg; replaces glycine 695 with arginine.
Molecular consequence: missense variant.
Genome position (GRCh38, 1-based): chr14:50,909,989, C>T on the plus strand (G>A on the coding strand, the complement: PYGL is on the minus strand). VCF-style: chr14-50909989-C-T. GRCh37 (hg19) VCF-style: chr14-51376707-C-T.
Other names: c.1981G>A, p.Gly661Arg (NM_001163940.2); short protein forms G695R, G661R.
Identifiers: ClinVar variation 1029650 (VCV001029650.2), dbSNP rs368758632, ClinGen allele CA7183226.
Genomic context (GRCh38, chr14:50,909,989, plus strand): 5'-TCATGCCAAAGATGAACAGGTTCTCTTCCCCAGCTTCTTCTGCCATTTCCACATTGGCCC[C>T]ATCCATGGTCCCGATAGTTAGGGCCCCATTTAGCATGAACTTCATATTGCCTGTCCCCGA-3'
Protein context (NP_002854.3, residues 685-705): NGALTIGTMD[Gly695Arg]ANVEMAEEAG